The following is an entry in ClinVar:

NM_001110556.2(FLNA):c.4517C>T (p.Thr1506Ile)

Gene: FLNA (filamin A; minus strand). Cytogenetic location: Xq28.
Variant type: single nucleotide variant.
Coding change: c.4517C>T on transcript NM_001110556.2 (MANE Select); coding-DNA position 4517, C replaced by T.
Protein change: p.Thr1506Ile; replaces threonine 1506 with isoleucine.
Molecular consequence: missense variant.
Genome position (GRCh38, 1-based): chrX:154,358,526, G>A on the plus strand (C>T on the coding strand, the complement: FLNA is on the minus strand). VCF-style: chrX-154358526-G-A. GRCh37 (hg19) VCF-style: chrX-153586894-G-A.
Other names: c.4517C>T, p.Thr1506Ile (NM_001456.4); short protein forms T1506I.
Identifiers: ClinVar variation 211017 (VCV000211017.19), dbSNP rs797045579, ClinGen allele CA209144.

ClinVar aggregate classification (germline): Conflicting classifications of pathogenicity. Review status: criteria provided, conflicting classifications (1 of 4 stars). 6 submissions from 6 submitters: Uncertain significance (5); Likely benign (1). Last evaluated 2026-01-27.

Conditions:
Oto-palato-digital syndrome, type II (OPD2). Also called: Otopalatodigital Syndrome, Type II; FACIOPALATOOSSEOUS SYNDROME; OPD II SYNDROME; Otopalatodigital Syndrome Type 2 (FLNA-OPD2). Identifiers: Orphanet 669, Orphanet 90652, MedGen C1844696, MONDO:0010571, OMIM 304120.
Frontometaphyseal dysplasia (FMD1). Identifiers: Orphanet 1826, MedGen C0265293, MONDO:0015942.
Heterotopia, periventricular, X-linked dominant (PVNH1). Also called: PERIVENTRICULAR NODULAR HETEROTOPIA 1; X-linked periventricular heterotopia; PERIVENTRICULAR NODULAR HETEROTOPIA 4; HETEROTOPIA, PERIVENTRICULAR, 1. Identifiers: Orphanet 2149, Orphanet 82004, MedGen C1848213, MONDO:0010233, OMIM 300049.
Melnick-Needles syndrome (MNS). Also called: MELNICK-NEEDLES OSTEODYSPLASTY; OSTEODYSPLASTY OF MELNICK AND NEEDLES; Melnick-Needles Syndrome (FLNA-MNS). Identifiers: Orphanet 2484, MedGen C0025237, MONDO:0010650, OMIM 309350.
Cardiac valvular dysplasia, X-linked (CVDPX). Also called: MYXOMATOUS VALVULAR DYSTROPHY, X-LINKED; FLNA-Related X-linked Cardiac Valvular Dysplasia; VALVULAR HEART DISEASE, CONGENITAL; Congenital valvular dysplasia; Isolated X-Linked Cardiac Valvular Dysplasia. Identifiers: Orphanet 1864, Orphanet 555877, Orphanet 75497, MedGen C0262436, MONDO:0010753, OMIM 314400.
Oto-palato-digital syndrome, type I (OPD1). Also called: Otopalatodigital Syndrome, Type I; OPD I SYNDROME; OPD SYNDROME 1; Otopalatodigital Syndrome Type 1 (FLNA-OPD1); Taybi syndrome. Identifiers: Orphanet 669, Orphanet 90650, MedGen C0265251, MONDO:0010704, OMIM 311300.
Intestinal pseudoobstruction, neuronal, chronic idiopathic, X-linked (CIIPX). Also called: CONGENITAL IDIOPATHIC INTESTINAL PSEUDOOBSTRUCTION; INTESTINAL PSEUDOOBSTRUCTION, NEURONAL, CHRONIC IDIOPATHIC, WITH CENTRAL NERVOUS SYSTEM INVOLVEMENT; FLNA-Related Periventricular Nodular Heterotopia (FLNA-Related PVNH; Huttenlocher Syndrome). Identifiers: Orphanet 2301, MedGen C2746068, MONDO:0010232, OMIM 300048.
FG syndrome 2 (FGS2). Identifiers: MedGen C1845902, MONDO:0010297, OMIM 300321.
Terminal osseous dysplasia-pigmentary defects syndrome. Also called: ODPD; TERMINAL OSSEOUS DYSPLASIA AND PIGMENTARY DEFECTS; ODPF SYNDROME; OSSEOUS DYSPLASIA, DIGITAL, WITH FACIAL PIGMENTARY DEFECTS AND MULTIPLE FRENULA; Terminal Osseous Dysplasia (FLNA-TOD). Identifiers: Orphanet 88630, MedGen C1846129, MONDO:0010279, OMIM 300244.
Frontometaphyseal dysplasia 1 (FMD1). Also called: Frontometaphyseal Dysplasia (FLNA-FMD). Identifiers: Orphanet 1826, MedGen C4281559, MONDO:0024550, OMIM 305620.
Familial thoracic aortic aneurysm and aortic dissection (TAAD). Also called: Thoracic aortic aneurysms and dissections. Identifiers: Orphanet 91387, MedGen C4707243, MONDO:0019625.

Allele frequency attached by ClinVar (database versions not stated): TOPMed 0.00001; gnomAD exomes 0.00003 and 0.00011.
gnomAD v4.1: 113 of 1,209,864 alleles (0.0093%); highest among the groups gnomAD compares: Non-Finnish European, 0.012%; no homozygotes.

Submissions (6):

Labcorp Genetics (formerly Invitae), Labcorp
Classification: Likely benign for Oto-palato-digital syndrome, type II; Heterotopia, periventricular, X-linked dominant; Frontometaphyseal dysplasia; Melnick-Needles syndrome. Last evaluated: 2026-01-27. Review status: criteria provided, single submitter. Criteria: Invitae Variant Classification Sherloc (09022015). Collection method: clinical testing. Allele origin: germline.

Ambry Genetics
Classification: Uncertain significance for Familial thoracic aortic aneurysm and aortic dissection. Last evaluated: 2025-04-22. Review status: criteria provided, single submitter. Criteria: Ambry Variant Classification Scheme 2023. Collection method: clinical testing. Allele origin: germline.
Comment: The p.T1506I variant (also known as c.4517C>T), located in coding exon 26 of the FLNA gene, results from a C to T substitution at nucleotide position 4517. The threonine at codon 1506 is replaced by isoleucine, an amino acid with similar properties. Based on data from gnomAD, the T allele has an overall frequency of 0.0028% (5/180999) total alleles studied, with 2 hemizygote(s) observed. The highest observed frequency was 0.0062% (5/81122) of European (non-Finnish) alleles. This amino acid position is well conserved in available vertebrate species. In addition, the in silico prediction for this alteration is inconclusive. Based on the available evidence, the clinical significance of this variant remains unclear.

GeneDx
Classification: Uncertain significance. Last evaluated: 2025-01-30. Review status: criteria provided, single submitter. Criteria: GeneDx Variant Classification Process June 2021. Collection method: clinical testing. Allele origin: germline. Affected: yes.
Comment: In silico analysis supports that this missense variant has a deleterious effect on protein structure/function; Has not been previously published as pathogenic or benign to our knowledge

ARUP Laboratories, Molecular Genetics and Genomics, ARUP Laboratories
Classification: Uncertain significance. Last evaluated: 2023-10-19. Review status: criteria provided, single submitter. Criteria: ARUP Molecular Germline Variant Investigation Process 2024. Collection method: clinical testing. Allele origin: germline.
Comment: The FLNA c.4517C>T; p.Thr1506Ile variant (rs797045579), to our knowledge, is not reported in the medical literature but is reported in ClinVar (Variation ID: 211017). This variant is found in the general population with an overall allele frequency of 0.0028% (5/180999 alleles, including 2 hemizygotes) in the Genome Aggregation Database. Computational analyses are uncertain whether this variant is neutral or deleterious (REVEL: 0.526). Due to limited information, the clinical significance of this variant is uncertain at this time.

Genetic Services Laboratory, University of Chicago
Classification: Uncertain significance. Last evaluated: 2015-06-05. Review status: criteria provided, single submitter. Criteria: ACMG Guidelines, 2015. Collection method: clinical testing. Allele origin: germline.

Center for Genomics, Ann and Robert H. Lurie Children's Hospital of Chicago
Classification: Uncertain significance for Oto-palato-digital syndrome, type II; Intestinal pseudoobstruction, neuronal, chronic idiopathic, X-linked; Cardiac valvular dysplasia, X-linked; FG syndrome 2; Melnick-Needles syndrome; Terminal osseous dysplasia-pigmentary defects syndrome; Oto-palato-digital syndrome, type I; Heterotopia, periventricular, X-linked dominant; Frontometaphyseal dysplasia 1. Review status: criteria provided, single submitter. Criteria: ACMG Guidelines, 2015. Collection method: clinical testing. Allele origin: germline.
Comment: This variant has not been reported in the literature but is present in the Genome Aggregation Database (Highest reported MAF: 0.006% [5/81122], including 2 hemizygotes), and in ClinVar (Variation ID:211017). Evolutionary conservation and computational predictive tools for this variant are unclear. In summary, data on this variant is insufficient for disease classification. Therefore, the clinical significance of this variant is uncertain.